The following is an entry in ClinVar:

ClinVar aggregate classification (germline): Conflicting classifications of pathogenicity. Review status: criteria provided, conflicting classifications (1 of 4 stars). 6 submissions from 6 submitters: Uncertain significance (4); Benign (1). 1 of the submissions does not count toward it. Last evaluated 2026-01-12.

Conditions:
Neuromuscular disease caused by qualitative or quantitative defects of dysferlin. Also called: Qualitative or quantitative defects of dysferlin; Dysferlinopathy. Identifiers: Orphanet 207073, MedGen C2931687, MONDO:0016145.
Autosomal recessive limb-girdle muscular dystrophy type 2B (LGMDR2). Also called: MUSCULAR DYSTROPHY, LIMB-GIRDLE, TYPE 3; MUSCULAR DYSTROPHY, LIMB-GIRDLE, AUTOSOMAL RECESSIVE 2; Limb-Girdle Muscular Dystrophy Type 2B (LGMD2B); Limb-girdle muscular dystrophy, type 2B. Identifiers: Orphanet 268, MedGen C1850889, MONDO:0009676, OMIM 253601.

Allele frequency attached by ClinVar (database versions not stated): TOPMed 0.00009; ESP Exome Variant Server 0.00015; 1000 Genomes Project 30x 0.00016; 1000 Genomes Project 0.00020; ExAC 0.00003; gnomAD exomes 0.00004 and 0.00006; gnomAD 0.00006.
gnomAD v4.1: 72 of 1,614,138 alleles (0.0045%); highest among the groups gnomAD compares: African/African-American, 0.019%; no homozygotes.

Submissions (6):

Labcorp Genetics (formerly Invitae), Labcorp
Classification: Benign for Neuromuscular disease caused by qualitative or quantitative defects of dysferlin. Last evaluated: 2026-01-12. Review status: criteria provided, single submitter. Criteria: Invitae Variant Classification Sherloc (09022015). Collection method: clinical testing. Allele origin: germline.

Blueprint Genetics
Classification: Uncertain significance. Last evaluated: 2024-03-01. Review status: criteria provided, single submitter. Criteria: ACMG Guidelines, 2015. Collection method: clinical testing. Allele origin: germline.

GeneDx
Classification: Uncertain significance. Last evaluated: 2019-11-11. Review status: criteria provided, single submitter. Criteria: GeneDx Variant Classification Process June 2021. Collection method: clinical testing. Allele origin: germline. Affected: yes.
Comment: In silico analysis, which includes protein predictors and evolutionary conservation, supports a deleterious effect; This variant is associated with the following publications: (PMID: 30564623, 32528171)

Illumina Laboratory Services, Illumina
Classification: Uncertain significance for Qualitative or quantitative defects of dysferlin. Last evaluated: 2018-01-13. Review status: criteria provided, single submitter. Criteria: ICSL Variant Classification Criteria 13 December 2019. Collection method: clinical testing. Allele origin: germline.

Eurofins Ntd Llc (ga)
Classification: Uncertain significance. Last evaluated: 2016-06-08. Review status: criteria provided, single submitter. Criteria: EGL Classification Definitions 2015. Collection method: clinical testing. Allele origin: germline. Observed: 1 variant allele, 1 heterozygote.

Natera, Inc.
Classification: Uncertain significance for Limb-girdle muscular dystrophy type 2B. Last evaluated: 2020-02-20. Review status: no assertion criteria provided. Collection method: clinical testing. Allele origin: germline. Not counted in ClinVar's aggregate classification.

NM_001130987.2(DYSF):c.4321C>T (p.Arg1441Cys)

Gene: DYSF (dysferlin; plus strand). Cytogenetic location: 2p13.2.
Variant type: single nucleotide variant.
Coding change: c.4321C>T on transcript NM_001130987.2 (MANE Select); coding-DNA position 4321, C replaced by T.
Protein change: p.Arg1441Cys; replaces arginine 1441 with cysteine.
Molecular consequence: missense variant.
Genome position (GRCh38, 1-based): chr2:71,612,740, C>T. VCF-style: chr2-71612740-C-T. GRCh37 (hg19) VCF-style: chr2-71839870-C-T.
Other names: c.4270C>T, p.Arg1424Cys (NM_001130455.2, NM_001130983.2); c.4225C>T, p.Arg1409Cys (NM_001130976.2, NM_001130977.2); c.4267C>T, p.Arg1423Cys (NM_001130978.2, NM_003494.4); c.4360C>T, p.Arg1454Cys (NM_001130979.2); c.4318C>T, p.Arg1440Cys (NM_001130980.2, NM_001130981.2); c.4363C>T, p.Arg1455Cys (NM_001130982.2); c.4228C>T, p.Arg1410Cys (NM_001130984.2, NM_001130986.2); c.4321C>T, p.Arg1441Cys (NM_001130985.2); short protein forms R1423C, R1441C, R1410C, R1454C, R1409C, R1424C, R1440C, R1455C.
Identifiers: ClinVar variation 288624 (VCV000288624.16), dbSNP rs377706756, ClinGen allele CA1706966.